The following is an entry in ClinVar:

ClinVar aggregate classification (germline): Likely benign (1 of 4 stars; one submission).

Allele frequency attached by ClinVar (database versions not stated): 1000 Genomes Project 30x 0.00016; 1000 Genomes Project 0.00020; TOPMed 0.00033; gnomAD 0.00039; ESP Exome Variant Server 0.00054; ExAC 0.00089.
gnomAD v4.1: 803 of 1,613,114 alleles (0.05%); highest among the groups gnomAD compares: Middle Eastern, 0.66%; 3 homozygotes.

Submission:

CeGaT Center for Human Genetics Tuebingen
Classification: Likely benign. Last evaluated: 2022-08-01. Review status: criteria provided, single submitter. Criteria: CeGaT Center For Human Genetics Tuebingen Variant Classification Criteria Version 2. Collection method: clinical testing. Allele origin: germline. Affected: yes. Observed: 1 variant allele.
Comment: STAB1: BP4, BP7

NM_015136.3(STAB1):c.459C>T (p.Pro153=)

Gene: STAB1 (stabilin 1; plus strand). Cytogenetic location: 3p21.1.
Variant type: single nucleotide variant.
Coding change: c.459C>T on transcript NM_015136.3 (MANE Select); coding-DNA position 459, C replaced by T.
Protein change: p.Pro153=; no amino-acid change (proline 153 retained).
Molecular consequence: synonymous variant.
Genome position (GRCh38, 1-based): chr3:52,502,200, C>T. VCF-style: chr3-52502200-C-T. GRCh37 (hg19) VCF-style: chr3-52536216-C-T.
Identifiers: ClinVar variation 2653888 (VCV002653888.24), dbSNP rs139338725, ClinGen allele CA2440164.